The following is an entry in ClinVar:

NM_025114.4(CEP290):c.4656del (p.Glu1553fs)

Gene: CEP290 (centrosomal protein 290; minus strand). Cytogenetic location: 12q21.32.
Variant type: Deletion.
Coding change: c.4656del on transcript NM_025114.4 (MANE Select); coding-DNA position 4656, one base deleted (A; older notation c.4656delA).
Protein change: p.Glu1553fs; shifts the reading frame from glutamic acid 1553.
Molecular consequence: frameshift variant.
Genome position (GRCh38, 1-based): chr12:88,084,634, T deleted on the plus strand (A on the coding strand, the reverse complement: CEP290 is on the minus strand); the first of 5 consecutive T bases (chr12:88,084,634-88,084,638); deleting any one gives the same sequence. VCF-style (leftmost placement, unchanged base first): chr12-88084633-CT-C. GRCh37 (hg19) VCF-style: chr12-88478410-CT-C.
Other names: c.4656delA (NM_025114.3); short protein forms E1553fs.
Identifiers: ClinVar variation 99854 (VCV000099854.7), dbSNP rs62640572, ClinGen allele CA227970.

ClinVar aggregate classification (germline): Pathogenic. Review status: criteria provided, single submitter (1 of 4 stars). 3 submissions from 3 submitters: Pathogenic (1). 2 of the submissions do not count toward it. Last evaluated 2022-08-20.

Conditions:
Meckel-Gruber syndrome. Also called: DYSENCEPHALIA SPLANCHNOCYSTICA; GRUBER SYNDROME; Dysencephalia splachnocystica. Identifiers: Orphanet 564, MedGen C0265215, MONDO:0018921.
Nephronophthisis. Also called: Juvenile Nephronophthisis. Identifiers: Orphanet 655, MedGen C0687120, MONDO:0019005, HP:0000090.
Joubert syndrome. Also called: CEREBELLOPARENCHYMAL DISORDER IV; Familial aplasia of the vermis; JOUBERT-BOLTSHAUSER SYNDROME. Identifiers: Orphanet 475, MedGen C5979921, MONDO:0018772.
Joubert syndrome 5 (JBTS5). Identifiers: Orphanet 2318, MedGen C1857780, MONDO:0012432, OMIM 610188.

Submissions (3):

Labcorp Genetics (formerly Invitae), Labcorp
Classification: Pathogenic for Joubert syndrome; Meckel-Gruber syndrome; Nephronophthisis. Last evaluated: 2022-08-20. Review status: criteria provided, single submitter. Criteria: Invitae Variant Classification Sherloc (09022015). Collection method: clinical testing. Allele origin: germline.
Comment: This variant is present in population databases (rs62640572, gnomAD 0.0009%). This premature translational stop signal has been observed in individual(s) with Joubert syndrome (PMID: 16682973). This variant is also known as 4656delA (K1552fsX1556). ClinVar contains an entry for this variant (Variation ID: 99854). For these reasons, this variant has been classified as Pathogenic. This sequence change creates a premature translational stop signal (p.Glu1553Lysfs*4) in the CEP290 gene. It is expected to result in an absent or disrupted protein product. Loss-of-function variants in CEP290 are known to be pathogenic (PMID: 16909394, 17345604, 20690115).

OMIM
Classification: Pathogenic for JOUBERT SYNDROME 5. Last evaluated: 2006-06-01. Review status: no assertion criteria provided. Collection method: literature only. Allele origin: germline. Not counted in ClinVar's aggregate classification.

Retina International
No classification provided. Review status: no classification provided. Collection method: not provided. Allele origin: not provided. Not counted in ClinVar's aggregate classification.

Literature cited by the submitters: PubMed 16682973 (cited by Labcorp Genetics (formerly Invitae), Labcorp and OMIM); PubMed 16909394 (cited by Labcorp Genetics (formerly Invitae), Labcorp); PubMed 17345604 (cited by Labcorp Genetics (formerly Invitae), Labcorp); PubMed 20690115 (cited by Labcorp Genetics (formerly Invitae), Labcorp).